The following is an entry in ClinVar:

NM_003482.4(KMT2D):c.7946G>T (p.Gly2649Val)

Gene: KMT2D (lysine methyltransferase 2D; minus strand). Cytogenetic location: 12q13.12.
Variant type: single nucleotide variant.
Coding change: c.7946G>T on transcript NM_003482.4 (MANE Select); coding-DNA position 7946, G replaced by T.
Protein change: p.Gly2649Val; replaces glycine 2649 with valine.
Molecular consequence: missense variant.
Genome position (GRCh38, 1-based): chr12:49,039,824, C>A on the plus strand (G>T on the coding strand, the complement: KMT2D is on the minus strand). VCF-style: chr12-49039824-C-A. GRCh37 (hg19) VCF-style: chr12-49433607-C-A.
Other names: short protein forms G2649V.
Identifiers: ClinVar variation 4527560 (VCV004527560.1).

ClinVar aggregate classification (germline): Uncertain significance (1 of 4 stars; one submission).

Submission:

GeneDx
Classification: Uncertain significance. Last evaluated: 2025-04-28. Review status: criteria provided, single submitter. Criteria: GeneDx Variant Classification Process June 2021. Collection method: clinical testing. Allele origin: germline. Affected: yes.
Comment: Not observed at significant frequency in large population cohorts (gnomAD); In silico analysis indicates that this missense variant does not alter protein structure/function; Has not been previously published as pathogenic or benign to our knowledge